The following is an entry in ClinVar:

NM_000540.3(RYR1):c.6031C>T (p.Gln2011Ter)

Gene: RYR1 (ryanodine receptor 1; plus strand). Cytogenetic location: 19q13.2.
Variant type: single nucleotide variant.
Coding change: c.6031C>T on transcript NM_000540.3 (MANE Select); coding-DNA position 6031, C replaced by T.
Protein change: p.Gln2011Ter; replaces glutamine 2011 with a stop codon.
Molecular consequence: nonsense.
Genome position (GRCh38, 1-based): chr19:38,490,636, C>T. VCF-style: chr19-38490636-C-T. GRCh37 (hg19) VCF-style: chr19-38981276-C-T.
Other names: c.6031C>T, p.Gln2011Ter (NM_001042723.2); short protein forms Q2011*.
Identifiers: ClinVar variation 1371365 (VCV001371365.7), dbSNP rs1385985785, ClinGen allele CA405660734.

ClinVar aggregate classification (germline): Conflicting classifications of pathogenicity. Review status: criteria provided, conflicting classifications (1 of 4 stars). 2 submissions from 2 submitters: Pathogenic (1); Uncertain significance (1). Last evaluated 2024-06-09.

Conditions:
RYR1-related disorder. Also called: RYR1-related condition; RYR1-related disorders. Identifiers: MedGen CN239331.
Malignant hyperthermia, susceptibility to, 1 (MHS1). Also called: Malignant hyperthermia suceptibility 1; RYR1-Related Malignant Hyperthermia Susceptibility; Anesthesia related hyperthermia; Malignant hyperpyrexia; Fulminating hyperpyrexia; Pharmacogenic myopathy. Identifiers: Orphanet 423, MedGen C2930980, MONDO:0007783, OMIM 145600.

Allele frequency attached by ClinVar (database versions not stated): gnomAD exomes below 0.00001.
gnomAD v4.1: 1 of 1,608,766 alleles (0.000062%); highest among the groups gnomAD compares: Admixed American, 0.0017%; no homozygotes.

Submissions (2):

All of Us Research Program, National Institutes of Health
Classification: Uncertain significance for Malignant hyperthermia, susceptibility to, 1. Last evaluated: 2024-06-09. Review status: criteria provided, single submitter. Criteria: ACMG Guidelines, 2015. Collection method: clinical testing. Allele origin: germline. Inheritance: Autosomal dominant inheritance. Observed: 1 variant allele, 1 heterozygote.
Comment: This variant changes 1 nucleotide in exon 37 of the RYR1 gene, creating a premature translation stop signal. This variant is expected to result in an absent or non-functional protein product. To our knowledge, this variant has not been reported in individuals affected with RYR1-related disorders in the literature. This variant has been identified in 1/251400 chromosomes in the general population by the Genome Aggregation Database (gnomAD). Loss of RYR1 function due to truncation variants is not an established disease mechanism for autosomal dominant malignant hyperthermia, although it is associated with other phenotype(s) (ClinVar variation ID: 1371365). Due to insufficient evidence, this variant is classified as a Variant of Uncertain Significance for autosomal dominant malignant hyperthermia.

This study involves interpretation of variants in research participants for the purpose of population health screening. Participant phenotype was not available at the time of variant classification. Additional details can be found in publication PMID: 35346344, PMCID: PMC8962531

Labcorp Genetics (formerly Invitae), Labcorp
Classification: Pathogenic for RYR1-related disorder. Last evaluated: 2022-02-12. Review status: criteria provided, single submitter. Criteria: Invitae Variant Classification Sherloc (09022015). Collection method: clinical testing. Allele origin: germline.
Comment: This sequence change creates a premature translational stop signal (p.Gln2011*) in the RYR1 gene. It is expected to result in an absent or disrupted protein product. Loss-of-function variants in RYR1 are known to be pathogenic (PMID: 20583297, 20839240, 23919265, 28818389). This variant is present in population databases (no rsID available, gnomAD 0.003%). For these reasons, this variant has been classified as Pathogenic. This variant has not been reported in the literature in individuals affected with RYR1-related conditions.

Literature cited by the submitters: PubMed 20583297 (cited by Labcorp Genetics (formerly Invitae), Labcorp); PubMed 20839240 (cited by Labcorp Genetics (formerly Invitae), Labcorp); PubMed 23919265 (cited by Labcorp Genetics (formerly Invitae), Labcorp); PubMed 28818389 (cited by Labcorp Genetics (formerly Invitae), Labcorp).